The following is an entry in ClinVar:

ClinVar aggregate classification (germline): Uncertain significance. Review status: criteria provided, multiple submitters, no conflicts (2 of 4 stars). 2 submissions from 2 submitters: Uncertain significance (2). Last evaluated 2023-02-16.

Conditions:
Cardiovascular phenotype. Identifiers: MedGen CN230736.

Allele frequency attached by ClinVar (database versions not stated): gnomAD 0.00001; TOPMed 0.00001.
gnomAD v4.1: 1 of 1,613,022 alleles (0.000062%); highest among the groups gnomAD compares: African/African-American, 0.0013%; no homozygotes.

Submissions (2):

Ambry Genetics
Classification: Uncertain significance for Cardiovascular phenotype. Last evaluated: 2023-02-16. Review status: criteria provided, single submitter. Criteria: Ambry Variant Classification Scheme 2023. Collection method: clinical testing. Allele origin: germline.
Comment: The p.L1410P variant (also known as c.4229T>C), located in coding exon 24 of the SCN10A gene, results from a T to C substitution at nucleotide position 4229. The leucine at codon 1410 is replaced by proline, an amino acid with similar properties. This amino acid position is conserved. In addition, this alteration is predicted to be deleterious by in silico analysis. Since supporting evidence is limited at this time, the clinical significance of this alteration remains unclear.

GeneDx
Classification: Uncertain significance. Last evaluated: 2022-11-07. Review status: criteria provided, single submitter. Criteria: GeneDx Variant Classification Process June 2021. Collection method: clinical testing. Allele origin: germline. Affected: yes.
Comment: Has not been previously published as pathogenic or benign to our knowledge; Not observed at significant frequency in large population cohorts (gnomAD); In silico analysis supports that this missense variant has a deleterious effect on protein structure/function

NM_006514.4(SCN10A):c.4229T>C (p.Leu1410Pro)

Gene: SCN10A (sodium voltage-gated channel alpha subunit 10; minus strand). Cytogenetic location: 3p22.2.
Variant type: single nucleotide variant.
Coding change: c.4229T>C on transcript NM_006514.4 (MANE Select); coding-DNA position 4229, T replaced by C.
Protein change: p.Leu1410Pro; replaces leucine 1410 with proline.
Molecular consequence: missense variant.
Genome position (GRCh38, 1-based): chr3:38,709,530, A>G on the plus strand (T>C on the coding strand, the complement: SCN10A is on the minus strand). VCF-style: chr3-38709530-A-G. GRCh37 (hg19) VCF-style: chr3-38751021-A-G.
Other names: c.4226T>C, p.Leu1409Pro (NM_001293306.2); c.3935T>C, p.Leu1312Pro (NM_001293307.2); short protein forms L1312P, L1409P, L1410P.
Identifiers: ClinVar variation 2448855 (VCV002448855.3), dbSNP rs1444910170, ClinGen allele CA352149720.
Genomic context (GRCh38, chr3:38,709,530, plus strand): 5'-CCACTTATCTTTTTTTTCTGTTGATTGAAGTTGTCAATTATGACCCCAACAAAGAGATTC[A>G]GTGTGAAGAAGCCTCCAAAAATGATGAAGATGACAAAGTACAAATACATGTACACGTTGT-3'
Protein context (NP_006505.4, residues 1400-1420): IFIIFGGFFT[Leu1410Pro]NLFVGVIIDN